The following is an entry in ClinVar:

NM_145117.5(NAV2):c.3054G>T (p.Glu1018Asp)

Genes: NAV2 (neuron navigator 2; plus strand), NAV2-AS2 (NAV2 antisense RNA 2; minus strand). Cytogenetic location: 11p15.1.
Variant type: single nucleotide variant.
Coding change: c.3054G>T on transcript NM_145117.5 (MANE Select); coding-DNA position 3054, G replaced by T.
Protein change: p.Glu1018Asp; replaces glutamic acid 1018 with aspartic acid.
Molecular consequence: missense variant. On other transcripts: non-coding transcript variant (1).
Genome position (GRCh38, 1-based): chr11:20,044,127, G>T. VCF-style: chr11-20044127-G-T. GRCh37 (hg19) VCF-style: chr11-20065673-G-T.
Other names: c.2862G>T, p.Glu954Asp (NM_001111018.2); c.312G>T, p.Glu104Asp (NM_001111019.3); c.3123G>T, p.Glu1041Asp (NM_001244963.2); c.3054G>T, p.Glu1018Asp (NM_182964.6); short protein forms E1018D, E1041D, E104D, E954D.
Identifiers: ClinVar variation 3060247 (VCV003060247.2), dbSNP rs3802799, ClinGen allele CA5918348.
Genomic context (GRCh38, chr11:20,044,127, plus strand): 5'-CGGCATAAAAATGGAGCCAGGTTCCAAGTGGAGGCGGAATCCTTCTGATGTGTCTGACGA[G>T]TCCGACAAAAGCACGTCGGGCAAGAAGAATCCTGTCATCTCCCAGACAGGCTCATGGCGG-3'
Protein context (NP_660093.2, residues 1008-1028): WRRNPSDVSD[Glu1018Asp]SDKSTSGKKN

ClinVar aggregate classification (germline): Benign (0 of 4 stars; one submission).

Conditions:
NAV2-related disorder. Also called: NAV2-related condition.

Allele frequency attached by ClinVar (database versions not stated): ESP Exome Variant Server 0.14770; TOPMed 0.17228; gnomAD 0.19114; gnomAD exomes 0.21695; ExAC 0.25046; 1000 Genomes Project 30x 0.25625; 1000 Genomes Project 0.27037.
gnomAD v4.1: 345,746 of 1,613,982 alleles (21%); highest among the groups gnomAD compares: East Asian, 47%; 43,890 homozygotes.

Submission:

PreventionGenetics, part of Exact Sciences
Classification: Benign for NAV2-related condition. Last evaluated: 2023-05-12. Review status: no assertion criteria provided. Collection method: clinical testing. Allele origin: germline.
Comment: This variant is classified as benign based on ACMG/AMP sequence variant interpretation guidelines (Richards et al. 2015 PMID: 25741868, with internal and published modifications).